The following is an entry in ClinVar:

ClinVar aggregate classification (germline): Uncertain significance (1 of 4 stars; one submission).

gnomAD v4.1: 37 of 1,609,656 alleles (0.0023%); highest among the groups gnomAD compares: South Asian, 0.0077%; no homozygotes.

Submission:

GeneDx
Classification: Uncertain significance. Last evaluated: 2024-11-05. Review status: criteria provided, single submitter. Criteria: GeneDx Variant Classification Process June 2021. Collection method: clinical testing. Allele origin: germline. Affected: yes.
Comment: In silico analysis indicates that this missense variant does not alter protein structure/function; Has not been previously published as pathogenic or benign to our knowledge; Reported using an alternate transcript of the gene

NM_001025616.3(ARHGAP24):c.391+7267G>A

Gene: ARHGAP24 (Rho GTPase activating protein 24; plus strand). Cytogenetic location: 4q21.23.
Variant type: single nucleotide variant.
Coding change: c.391+7267G>A on transcript NM_001025616.3 (MANE Select); 7267 bases into the intron after coding-DNA position 391, G replaced by A.
Molecular consequence: intron variant. On other transcripts: missense variant (1).
Genome position (GRCh38, 1-based): chr4:85,931,037, G>A. VCF-style: chr4-85931037-G-A. GRCh37 (hg19) VCF-style: chr4-86852190-G-A.
Other names: c.107G>A, p.Arg36Gln (NM_031305.3); c.106+7267G>A (NM_001042669.2); c.20+7267G>A (NM_001346093.2); c.136+7267G>A (NM_001287805.2); short protein forms R36Q.
Identifiers: ClinVar variation 3899561 (VCV003899561.1).